The following is an entry in ClinVar:

NM_007294.4(BRCA1):c.3959del (p.Ser1320fs)

Genes: BRCA1 (BRCA1 DNA repair associated; minus strand), LOC126862571 (BRD4-independent group 4 enhancer GRCh37_chr17:41243136-41244335; plus strand). Cytogenetic location: 17q21.31.
Variant type: Deletion.
Coding change: c.3959del on transcript NM_007294.4 (MANE Select); coding-DNA position 3959, one base deleted (C; older notation c.3959delC).
Protein change: p.Ser1320fs; shifts the reading frame from serine 1320.
Molecular consequence: frameshift variant. On other transcripts: intron variant (135).
Genome position (GRCh38, 1-based): chr17:43,091,572, G deleted on the plus strand (C on the coding strand, the reverse complement: BRCA1 is on the minus strand). VCF-style (leftmost placement, unchanged base first): chr17-43091571-AG-A. GRCh37 (hg19) VCF-style: chr17-41243588-AG-A.
Other names: 4078delC; c.3746del, p.Ser1249fs (NM_001407571.1, NM_001407853.1, NM_001407894.1 and 9 more transcripts); c.3959del, p.Ser1320fs (NM_001407581.1, NM_001407582.1, NM_001407583.1 and 30 more transcripts); c.3956del, p.Ser1319fs (NM_001407587.1, NM_001407590.1, NM_001407591.1 and 22 more transcripts); c.3950del, p.Ser1317fs (NM_001407646.1, NM_001407647.1); c.3836del, p.Ser1279fs (NM_001407648.1, NM_001407664.1, NM_001407665.1 and 19 more transcripts); c.3833del, p.Ser1278fs (NM_001407649.1, NM_001407670.1, NM_001407671.1 and 11 more transcripts); c.3881del, p.Ser1294fs (NM_001407653.1, NM_001407654.1, NM_001407655.1 and 4 more transcripts); and 43 more; short protein forms S1320fs, S1273fs, S1192fs, S1193fs, S1250fs, S1252fs, S1278fs, S1319fs.
Identifiers: ClinVar variation 266421 (VCV000266421.6), dbSNP rs886040179, ClinGen allele CA10589710.

ClinVar aggregate classification (germline): Pathogenic. Review status: reviewed by expert panel (3 of 4 stars). 2 submissions from 2 submitters: Pathogenic (1). 1 of the submissions does not count toward it. Last evaluated 2016-10-18.

Conditions:
Breast-ovarian cancer, familial, susceptibility to, 1 (BROVCA1). Also called: BRCA1 Hereditary Breast and Ovarian Cancer; OVARIAN CANCER, SUSCEPTIBILITY TO. Identifiers: Orphanet 145, MedGen C2676676, MONDO:0011450, OMIM 604370. Disease mechanism: loss of function.

Submissions (2):

Evidence-based Network for the Interpretation of Germline Mutant Alleles (ENIGMA)
Classification: Pathogenic for Breast-ovarian cancer, familial, susceptibility to, 1. Last evaluated: 2016-10-18. Review status: reviewed by expert panel. Criteria: ENIGMA BRCA1/2 Classification Criteria (2015). Collection method: curation. Allele origin: germline.
Comment: Variant allele predicted to encode a truncated non-functional protein.

Consortium of Investigators of Modifiers of BRCA1/2 (CIMBA), c/o University of Cambridge
Classification: Pathogenic for Breast-ovarian cancer, familial, susceptibility to, 1. Last evaluated: 2015-10-02. Review status: criteria provided, single submitter. Criteria: CIMBA Mutation Classification guidelines May 2016. Collection method: clinical testing. Allele origin: germline. Not counted in ClinVar's aggregate classification.